The following is an entry in ClinVar:

ClinVar aggregate classification (germline): Uncertain significance (1 of 4 stars; one submission).

Submission:

Labcorp Genetics (formerly Invitae), Labcorp
Classification: Uncertain significance. Last evaluated: 2023-10-03. Review status: criteria provided, single submitter. Criteria: Invitae Variant Classification Sherloc (09022015). Collection method: clinical testing. Allele origin: germline.
Comment: This sequence change replaces arginine, which is basic and polar, with leucine, which is neutral and non-polar, at codon 1052 of the NSD1 protein (p.Arg1052Leu). This variant is not present in population databases (gnomAD no frequency). This variant has not been reported in the literature in individuals affected with NSD1-related conditions. Advanced modeling of protein sequence and biophysical properties (such as structural, functional, and spatial information, amino acid conservation, physicochemical variation, residue mobility, and thermodynamic stability) performed at Invitae indicates that this missense variant is not expected to disrupt NSD1 protein function. In summary, the available evidence is currently insufficient to determine the role of this variant in disease. Therefore, it has been classified as a Variant of Uncertain Significance.

NM_022455.5(NSD1):c.3155G>T (p.Arg1052Leu)

Gene: NSD1 (nuclear receptor binding SET domain protein 1; plus strand). Cytogenetic location: 5q35.3.
Variant type: single nucleotide variant.
Coding change: c.3155G>T on transcript NM_022455.5 (MANE Select); coding-DNA position 3155, G replaced by T.
Protein change: p.Arg1052Leu; replaces arginine 1052 with leucine.
Molecular consequence: missense variant.
Genome position (GRCh38, 1-based): chr5:177,211,554, G>T. VCF-style: chr5-177211554-G-T. GRCh37 (hg19) VCF-style: chr5-176638555-G-T.
Other names: c.2282G>T, p.Arg761Leu (NM_001409308.1, NM_001409309.1, NM_172349.5 and 3 more transcripts); c.3155G>T, p.Arg1052Leu (NM_001409301.1, NM_001409302.1, NM_001409303.1); c.2735G>T, p.Arg912Leu (NM_001409304.1); c.2402G>T, p.Arg801Leu (NM_001409305.1); short protein forms R761L, R912L, R1052L, R801L.
Identifiers: ClinVar variation 3668809 (VCV003668809.2).